The following is an entry in ClinVar:

ClinVar aggregate classification (germline): Uncertain significance (1 of 4 stars; one submission).

Conditions:
Cardiovascular phenotype. Identifiers: MedGen CN230736.

Submission:

Ambry Genetics
Classification: Uncertain significance for Cardiovascular phenotype. Last evaluated: 2023-11-22. Review status: criteria provided, single submitter. Criteria: Ambry Variant Classification Scheme 2023. Collection method: clinical testing. Allele origin: germline.
Comment: The p.D285G variant (also known as c.854A>G), located in coding exon 6 of the BGN gene, results from an A to G substitution at nucleotide position 854. The aspartic acid at codon 285 is replaced by glycine, an amino acid with similar properties. This amino acid position is conserved. In addition, this alteration is predicted to be tolerated by in silico analysis. Since supporting evidence is limited at this time, the clinical significance of this alteration remains unclear.

NM_001711.6(BGN):c.854A>G (p.Asp285Gly)

Gene: BGN (biglycan; plus strand). Cytogenetic location: Xq28.
Variant type: single nucleotide variant.
Coding change: c.854A>G on transcript NM_001711.6 (MANE Select); coding-DNA position 854, A replaced by G.
Protein change: p.Asp285Gly; replaces aspartic acid 285 with glycine.
Molecular consequence: missense variant.
Genome position (GRCh38, 1-based): chrX:153,507,130, A>G. VCF-style: chrX-153507130-A-G. GRCh37 (hg19) VCF-style: chrX-152772588-A-G.
Other names: short protein forms D285G.
Identifiers: ClinVar variation 3221771 (VCV003221771.1), dbSNP rs2521221470, ClinGen allele CA415071485.